The following is an entry in ClinVar:

NM_001292063.2(OTOG):c.1315T>C (p.Cys439Arg)

Gene: OTOG (otogelin; plus strand). Cytogenetic location: 11p15.1.
Variant type: single nucleotide variant.
Coding change: c.1315T>C on transcript NM_001292063.2 (MANE Select); coding-DNA position 1315, T replaced by C.
Protein change: p.Cys439Arg; replaces cysteine 439 with arginine.
Molecular consequence: missense variant.
Genome position (GRCh38, 1-based): chr11:17,559,635, T>C. VCF-style: chr11-17559635-T-C. GRCh37 (hg19) VCF-style: chr11-17581182-T-C.
Other names: c.1351T>C, p.Cys451Arg (NM_001277269.2); short protein forms C451R, C439R.
Identifiers: ClinVar variation 3665012 (VCV003665012.3).

ClinVar aggregate classification (germline): Uncertain significance. Review status: criteria provided, multiple submitters, no conflicts (2 of 4 stars). 2 submissions from 2 submitters: Uncertain significance (2). Last evaluated 2024-03-07.

gnomAD v4.1: 32 of 1,550,760 alleles (0.0021%); highest among the groups gnomAD compares: Admixed American, 0.063%; no homozygotes.

Submissions (2):

Labcorp Genetics (formerly Invitae), Labcorp
Classification: Uncertain significance. Last evaluated: 2024-03-07. Review status: criteria provided, single submitter. Criteria: Invitae Variant Classification Sherloc (09022015). Collection method: clinical testing. Allele origin: germline.
Comment: This sequence change replaces cysteine, which is neutral and slightly polar, with arginine, which is basic and polar, at codon 451 of the OTOG protein (p.Cys451Arg). This variant is present in population databases (no rsID available, gnomAD 0.1%). This variant has not been reported in the literature in individuals affected with OTOG-related conditions. An algorithm developed to predict the effect of missense changes on protein structure and function (PolyPhen-2) suggests that this variant is likely to be disruptive. In summary, the available evidence is currently insufficient to determine the role of this variant in disease. Therefore, it has been classified as a Variant of Uncertain Significance.

Blueprint Genetics
Classification: Uncertain significance. Last evaluated: 2019-02-15. Review status: criteria provided, single submitter. Criteria: ACMG Guidelines, 2015. Collection method: clinical testing. Allele origin: germline.